The following is an entry in ClinVar:

ClinVar aggregate classification (germline): Uncertain significance (1 of 4 stars; one submission).

Conditions:
Progressive sclerosing poliodystrophy (MTDPS4A). Also called: ALPERS PROGRESSIVE INFANTILE POLIODYSTROPHY; NEURONAL DEGENERATION OF CHILDHOOD WITH LIVER DISEASE, PROGRESSIVE; Alpers Syndrome; ALPERS DIFFUSE DEGENERATION OF CEREBRAL GRAY MATTER WITH HEPATIC CIRRHOSIS; Alpers-Huttenlocher Syndrome; Mitochondrial DNA depletion syndrome 4A (Alpers type). Identifiers: Orphanet 726, MedGen C0205710, MONDO:0008758, OMIM 203700.

gnomAD v4.1: 1 of 1,610,258 alleles (0.000062%); no homozygotes.

Submission:

Labcorp Genetics (formerly Invitae), Labcorp
Classification: Uncertain significance for Progressive sclerosing poliodystrophy. Last evaluated: 2024-06-18. Review status: criteria provided, single submitter. Criteria: Invitae Variant Classification Sherloc (09022015). Collection method: clinical testing. Allele origin: germline.
Comment: This sequence change replaces arginine, which is basic and polar, with histidine, which is basic and polar, at codon 102 of the POLG protein (p.Arg102His). This variant is not present in population databases (gnomAD no frequency). This variant has not been reported in the literature in individuals affected with POLG-related conditions. Advanced modeling of protein sequence and biophysical properties (such as structural, functional, and spatial information, amino acid conservation, physicochemical variation, residue mobility, and thermodynamic stability) performed at Invitae indicates that this missense variant is expected to disrupt POLG protein function with a positive predictive value of 95%. In summary, the available evidence is currently insufficient to determine the role of this variant in disease. Therefore, it has been classified as a Variant of Uncertain Significance.

NM_002693.3(POLG):c.305G>A (p.Arg102His)

Genes: POLG (DNA polymerase gamma, catalytic subunit; minus strand), POLGARF (POLG alternative reading frame; minus strand). Cytogenetic location: 15q26.1.
Variant type: single nucleotide variant.
Coding change: c.305G>A on transcript NM_002693.3 (MANE Select); coding-DNA position 305, G replaced by A.
Protein change: p.Arg102His; replaces arginine 102 with histidine.
Molecular consequence: missense variant. On other transcripts: synonymous variant (1).
Genome position (GRCh38, 1-based): chr15:89,333,450, C>T on the plus strand (G>A on the coding strand, the complement: POLG is on the minus strand). VCF-style: chr15-89333450-C-T. GRCh37 (hg19) VCF-style: chr15-89876681-C-T.
Other names: c.360G>A, p.Pro120= (NM_001430120.1); c.305G>A, p.Arg102His (NM_001126131.2); short protein forms R102H.
Identifiers: ClinVar variation 3678985 (VCV003678985.2).
Genomic context (GRCh38, chr15:89,333,450, plus strand): 5'-TCGGGCAAGGGCACGGCTGGCTGCCCCCAGAGCCCGTGCTTCTGCAGGTGCTCGACGCTG[C>T]GGCGCACCGCGGCCTCGCCAGGCATCTCCCCTCCTTGCCCGAAGATTTGCTCGTGCAGCC-3'
Protein context (NP_002684.1, residues 92-112): GEMPGEAAVR[Arg102His]SVEHLQKHGL